The following is an entry in ClinVar:

ClinVar aggregate classification (germline): Uncertain significance (1 of 4 stars; one submission).

Conditions:
Perry syndrome. Also called: PARKINSONISM WITH ALVEOLAR HYPOVENTILATION AND MENTAL DEPRESSION. Identifiers: Orphanet 178509, MedGen C1868594, MONDO:0008201, OMIM 168605.

gnomAD v4.1: 3 of 1,614,224 alleles (0.00019%); highest among the groups gnomAD compares: Non-Finnish European, 0.00025%; no homozygotes.

Submission:

Victorian Clinical Genetics Services, Murdoch Childrens Research Institute
Classification: Uncertain significance for Perry syndrome. Last evaluated: 2024-10-09. Review status: criteria provided, single submitter. Criteria: ACMG Guidelines, 2015. Collection method: clinical testing. Allele origin: germline. Inheritance: Autosomal dominant inheritance. Affected: yes.
Comment: Based on the classification scheme VCGS_Germline_v1.3.4, this variant is classified as VUS-3B. Following criteria are met: 0104 - Dominant negative is a known mechanism of disease in this gene and is associated with neuronopathy, distal hereditary motor, type VIIB (MIM#607641) and Perry syndrome (MIM#168605) (PMID: 20945553). Loss of function has also been suggested, however, only one loss of function variant has been reported (PMID: 32023010). (I) 0107 - This gene is associated with autosomal dominant disease. (I) 0115 - Variants in this gene are known to have variable expressivity. Members of the same family have been reported with both Perry syndrome and neuronopathy, distal hereditary motor, type VIIB (PMID: 20945553). (I) 0200 - Variant is predicted to result in a missense amino acid change from glutamine to lysine. (I) 0251 - This variant is heterozygous. (I) 0302 - Variant is present in gnomAD (v2) <0.001 for a dominant condition (2 heterozygotes, 0 homozygotes). (SP) 0309 - An alternative amino acid change at the same position has been observed in gnomAD (v3) (2 heterozygotes, 0 homozygotes). (I) 0502 - Missense variant with conflicting in silico predictions and uninformative conservation. (I) 0600 - Variant is located in the annotated dynactin domain (DECIPHER). (I) 0710 - Another missense variant comparable to the one identified in this case has inconclusive previous evidence for pathogenicity. p.(Gln772Arg) has been reported once as a VUS (ClinVar). (I) 0807 - This variant has no previous evidence of pathogenicity. (I) 0905 - No published segregation evidence has been identified for this variant. (I) 1007 - No published functional evidence has been identified for this variant. (I) 1208 - Inheritance information for this variant is not currently available in this individual. (I) Legend: (SP) - Supporting pathogenic, (I) - Information, (SB) - Supporting benign

Literature cited by the submitters: PubMed 20945553; PubMed 32023010.

NM_004082.5(DCTN1):c.2314C>A (p.Gln772Lys)

Gene: DCTN1 (dynactin subunit 1; minus strand). Cytogenetic location: 2p13.1.
Variant type: single nucleotide variant.
Coding change: c.2314C>A on transcript NM_004082.5 (MANE Select); coding-DNA position 2314, C replaced by A.
Protein change: p.Gln772Lys; replaces glutamine 772 with lysine.
Molecular consequence: missense variant. On other transcripts: non-coding transcript variant (1).
Genome position (GRCh38, 1-based): chr2:74,367,047, G>T on the plus strand (C>A on the coding strand, the complement: DCTN1 is on the minus strand). VCF-style: chr2-74367047-G-T. GRCh37 (hg19) VCF-style: chr2-74594174-G-T.
Other names: c.1912C>A, p.Gln638Lys (NM_023019.4, NM_001135041.3); c.2263C>A, p.Gln755Lys (NM_001378991.1); c.2245C>A, p.Gln749Lys (NM_001378992.1); c.2254C>A, p.Gln752Lys (NM_001135040.3); c.2203C>A, p.Gln735Lys (NM_001190836.2); c.2293C>A, p.Gln765Lys (NM_001190837.2); short protein forms Q638K, Q735K, Q749K, Q752K, Q755K, Q765K, Q772K.
Identifiers: ClinVar variation 3377011 (VCV003377011.1).
Genomic context (GRCh38, chr2:74,367,047, plus strand): 5'-TAAGGAAGTGAGGACTAAGAAAGAAGAGGAGCTCACACAGATCTAGATGTGTTCTCACCT[G>T]CAAGAAGGCACGCAGCCGTCCTACCTCCACACTCATGCAGTCCAGAGCACTCTGCGTGAA-3'
Protein context (NP_004073.2, residues 762-782): VEVGRLRAFL[Gln772Lys]GGQEATDIAL